The following is an entry in ClinVar:

ClinVar aggregate classification (germline): Uncertain significance. Review status: criteria provided, multiple submitters, no conflicts (2 of 4 stars). 2 submissions from 2 submitters: Uncertain significance (2). Last evaluated 2023-12-09.

Conditions:
Inborn genetic diseases. Identifiers: MedGen C0950123, MeSH D030342.
Progressive familial heart block type IB (PFHB1B). Identifiers: Orphanet 871, MedGen C1970298, MONDO:0011474, OMIM 604559.

Submissions (2):

Labcorp Genetics (formerly Invitae), Labcorp
Classification: Uncertain significance for Progressive familial heart block type IB. Last evaluated: 2023-12-09. Review status: criteria provided, single submitter. Criteria: Invitae Variant Classification Sherloc (09022015). Collection method: clinical testing. Allele origin: germline.
Comment: This sequence change replaces glutamic acid, which is acidic and polar, with glycine, which is neutral and non-polar, at codon 69 of the TRPM4 protein (p.Glu69Gly). This variant is not present in population databases (gnomAD no frequency). This variant has not been reported in the literature in individuals affected with TRPM4-related conditions. ClinVar contains an entry for this variant (Variation ID: 521277). An algorithm developed to predict the effect of missense changes on protein structure and function (PolyPhen-2) suggests that this variant is likely to be disruptive. In summary, the available evidence is currently insufficient to determine the role of this variant in disease. Therefore, it has been classified as a Variant of Uncertain Significance.

Ambry Genetics
Classification: Uncertain significance for Inborn genetic diseases. Last evaluated: 2017-02-14. Review status: criteria provided, single submitter. Criteria: Ambry exome assertion method (8-5-2015). Collection method: clinical testing. Allele origin: germline. Affected: yes. Observed: 1 variant allele.

NM_017636.4(TRPM4):c.206A>G (p.Glu69Gly)

Gene: TRPM4 (transient receptor potential cation channel subfamily M member 4; plus strand). Cytogenetic location: 19q13.33.
Variant type: single nucleotide variant.
Coding change: c.206A>G on transcript NM_017636.4 (MANE Select); coding-DNA position 206, A replaced by G.
Protein change: p.Glu69Gly; replaces glutamic acid 69 with glycine.
Molecular consequence: missense variant. On other transcripts: 5 prime UTR variant (1), intron variant (2).
Genome position (GRCh38, 1-based): chr19:49,166,154, A>G. VCF-style: chr19-49166154-A-G. GRCh37 (hg19) VCF-style: chr19-49669411-A-G.
Other names: c.206A>G, p.Glu69Gly (NM_001195227.2, NM_001321281.2); c.-1167A>G (NM_001321282.2); c.-74-2106A>G (NM_001321283.2); c.-237-2399A>G (NM_001321285.2); short protein forms E69G.
Identifiers: ClinVar variation 521277 (VCV000521277.7), dbSNP rs1555750883, ClinGen allele CA406789574.